The following is an entry in ClinVar:

ClinVar aggregate classification (germline): Uncertain significance. Review status: criteria provided, multiple submitters, no conflicts (2 of 4 stars). 3 submissions from 3 submitters: Uncertain significance (3). Last evaluated 2026-01-21.

Conditions:
Inborn genetic diseases. Identifiers: MedGen C0950123, MeSH D030342.

Allele frequency attached by ClinVar (database versions not stated): gnomAD exomes below 0.00001; TOPMed below 0.00001; ExAC 0.00001; ESP Exome Variant Server 0.00008.
gnomAD v4.1: 1 of 1,613,568 alleles (0.000062%); highest among the groups gnomAD compares: Admixed American, 0.0017%; no homozygotes.

Submissions (3):

Ambry Genetics
Classification: Uncertain significance for Inborn genetic diseases. Last evaluated: 2026-01-21. Review status: criteria provided, single submitter. Criteria: Ambry Variant Classification Scheme 2023. Collection method: clinical testing. Allele origin: germline.

GeneDx
Classification: Uncertain significance. Last evaluated: 2024-05-21. Review status: criteria provided, single submitter. Criteria: GeneDx Variant Classification Process June 2021. Collection method: clinical testing. Allele origin: germline. Affected: yes.
Comment: Not observed at significant frequency in large population cohorts (gnomAD); In silico analysis supports that this missense variant has a deleterious effect on protein structure/function; Has not been previously published as pathogenic or benign to our knowledge

Labcorp Genetics (formerly Invitae), Labcorp
Classification: Uncertain significance. Last evaluated: 2022-08-10. Review status: criteria provided, single submitter. Criteria: Invitae Variant Classification Sherloc (09022015). Collection method: clinical testing. Allele origin: germline.
Comment: This variant has not been reported in the literature in individuals affected with SAMD9L-related conditions. In summary, the available evidence is currently insufficient to determine the role of this variant in disease. Therefore, it has been classified as a Variant of Uncertain Significance. Algorithms developed to predict the effect of missense changes on protein structure and function are either unavailable or do not agree on the potential impact of this missense change (SIFT: "Not Available"; PolyPhen-2: "Probably Damaging"; Align-GVGD: "Not Available"). ClinVar contains an entry for this variant (Variation ID: 1358658). This variant is present in population databases (rs372080191, gnomAD 0.003%). This sequence change replaces alanine, which is neutral and non-polar, with valine, which is neutral and non-polar, at codon 751 of the SAMD9L protein (p.Ala751Val).

NM_152703.5(SAMD9L):c.2252C>T (p.Ala751Val)

Gene: SAMD9L (sterile alpha motif domain containing 9 like; minus strand). Cytogenetic location: 7q21.2.
Variant type: single nucleotide variant.
Coding change: c.2252C>T on transcript NM_152703.5 (MANE Select); coding-DNA position 2252, C replaced by T.
Protein change: p.Ala751Val; replaces alanine 751 with valine.
Molecular consequence: missense variant.
Genome position (GRCh38, 1-based): chr7:93,133,720, G>A on the plus strand (C>T on the coding strand, the complement: SAMD9L is on the minus strand). VCF-style: chr7-93133720-G-A. GRCh37 (hg19) VCF-style: chr7-92763033-G-A.
Other names: c.2252C>T (NM_152703.2, NM_152703.3); c.2252C>T, p.Ala751Val (NM_001303496.3, NM_001303497.3, NM_001303498.3 and 5 more transcripts); short protein forms A751V.
Identifiers: ClinVar variation 1358658 (VCV001358658.11), dbSNP rs372080191, ClinGen allele CA4343614.
Genomic context (GRCh38, chr7:93,133,720, plus strand): 5'-GTCTTGTTTTTTAACACAGCACATCTGAAGTTTTTCTTTAAGTCCCAGAGAACATGCATA[G>A]CCAGTGTGGTACCTCCACAGCCTGGATGATGATAAAGATTGATGATTTTTGCAAATATTG-3'
Protein context (NP_689916.2, residues 741-761): HHPGCGGTTL[Ala751Val]MHVLWDLKKN